The following is an entry in ClinVar:

NM_015330.6(SPECC1L):c.2530C>T (p.Leu844Phe)

Genes: SPECC1L (sperm antigen with calponin homology and coiled-coil domains 1 like; plus strand), SPECC1L-ADORA2A (SPECC1L-ADORA2A readthrough (NMD candidate); plus strand). Cytogenetic location: 22q11.23.
Variant type: single nucleotide variant.
Coding change: c.2530C>T on transcript NM_015330.6 (MANE Select); coding-DNA position 2530, C replaced by T.
Protein change: p.Leu844Phe; replaces leucine 844 with phenylalanine.
Molecular consequence: missense variant. On other transcripts: non-coding transcript variant (1).
Genome position (GRCh38, 1-based): chr22:24,334,543, C>T. VCF-style: chr22-24334543-C-T. GRCh37 (hg19) VCF-style: chr22-24730511-C-T.
Other names: c.2530C>T, p.Leu844Phe (NM_001145468.4, NM_001254732.3); short protein forms L844F.
Identifiers: ClinVar variation 4796656 (VCV004796656.1).

ClinVar aggregate classification (germline): Uncertain significance (1 of 4 stars; one submission).

Submission:

GeneDx
Classification: Uncertain significance. Last evaluated: 2025-08-21. Review status: criteria provided, single submitter. Criteria: GeneDx Variant Classification Process June 2021. Collection method: clinical testing. Allele origin: germline. Affected: yes.
Comment: Has not been previously published as pathogenic or benign to our knowledge; Not observed at significant frequency in large population cohorts (gnomAD); In silico analysis supports that this missense variant has a deleterious effect on protein structure/function